The following is an entry in ClinVar:

ClinVar aggregate classification (germline): Conflicting classifications of pathogenicity. Review status: criteria provided, conflicting classifications (1 of 4 stars). 3 submissions from 3 submitters: Uncertain significance (2); Likely benign (1). Last evaluated 2025-11-27.

Conditions:
Hereditary spastic paraplegia 30. Identifiers: Orphanet 101010, MedGen C5235139, MONDO:0012476.
Neuropathy, hereditary sensory, type 2C. Also called: KIF1A-Related HSAN2 (HSAN2C); Hereditary sensory and autonomic neuropathy type IIC. Identifiers: Orphanet 970, MedGen C3280168, MONDO:0013634, OMIM 614213.
Intellectual disability, autosomal dominant 9 (NESCAVS). Also called: NESCAV SYNDROME; KIF1A-Related Neurodevelopmental Disorder. Identifiers: Orphanet 662367, MedGen C5393830, MONDO:0013656, OMIM 614255.
Neuropathy, hereditary sensory and autonomic, type 2A (HSAN2A). Also called: HSAN IIA; WNK1-Related HSAN2 (HSAN2A); ACROOSTEOLYSIS, GIACCAI TYPE; ACROOSTEOLYSIS, NEUROGENIC; MORVAN DISEASE; NEUROPATHY, CONGENITAL SENSORY. Identifiers: Orphanet 970, MedGen C2752089, MONDO:0024309, OMIM 201300.

gnomAD v4.1: 2 of 1,611,778 alleles (0.00012%); highest among the groups gnomAD compares: Admixed American, 0.0033%; no homozygotes.

Submissions (3):

Labcorp Genetics (formerly Invitae), Labcorp
Classification: Likely benign for Hereditary spastic paraplegia 30; Neuropathy, hereditary sensory, type 2C; Intellectual disability, autosomal dominant 9. Last evaluated: 2025-11-27. Review status: criteria provided, single submitter. Criteria: Invitae Variant Classification Sherloc (09022015). Collection method: clinical testing. Allele origin: germline.

Fulgent Genetics
Classification: Uncertain significance for Neuropathy, hereditary sensory and autonomic, type 2A; Spastic paraplegia 30A, autosomal dominant; Neuropathy, hereditary sensory, type 2C; Intellectual disability, autosomal dominant 9. Last evaluated: 2022-01-17. Review status: criteria provided, single submitter. Criteria: ACMG Guidelines, 2015. Collection method: clinical testing. Allele origin: unknown.

GeneDx
Classification: Uncertain significance. Last evaluated: 2021-01-11. Review status: criteria provided, single submitter. Criteria: GeneDx Variant Classification Process June 2021. Collection method: clinical testing. Allele origin: germline. Affected: yes.
Comment: In silico analysis supports that this missense variant does not alter protein structure/function; Has not been previously published as pathogenic or benign to our knowledge

NM_001244008.2(KIF1A):c.3609C>A (p.His1203Gln)

Gene: KIF1A (kinesin family member 1A; minus strand). Cytogenetic location: 2q37.3.
Variant type: single nucleotide variant.
Coding change: c.3609C>A on transcript NM_001244008.2 (MANE Select); coding-DNA position 3609, C replaced by A.
Protein change: p.His1203Gln; replaces histidine 1203 with glutamine.
Molecular consequence: missense variant.
Genome position (GRCh38, 1-based): chr2:240,742,960, G>T on the plus strand (C>A on the coding strand, the complement: KIF1A is on the minus strand). VCF-style: chr2-240742960-G-T. GRCh37 (hg19) VCF-style: chr2-241682377-G-T.
Other names: c.3333C>A, p.His1111Gln (NM_001320705.2, NM_001330289.2, NM_001379638.1); c.3408C>A, p.His1136Gln (NM_001330290.2, NM_001379634.1, NM_001379635.1 and 1 more transcripts); c.3684C>A, p.His1228Gln (NM_001379631.1); c.3558C>A, p.His1186Gln (NM_001379632.1); c.3582C>A, p.His1194Gln (NM_001379633.1, NM_001379642.1, NM_001379645.1); c.3306C>A, p.His1102Gln (NM_001379636.1, NM_001379639.1, NM_001379641.1 and 5 more transcripts); c.3381C>A, p.His1127Gln (NM_001379637.1, NM_001379648.1); c.3303C>A, p.His1101Gln (NM_001379640.1); short protein forms H1101Q, H1102Q, H1111Q, H1127Q, H1136Q, H1186Q, H1194Q, H1203Q.
Identifiers: ClinVar variation 1197186 (VCV001197186.5), dbSNP rs1195379895, ClinGen allele CA351316439.